The following is an entry in ClinVar:

ClinVar aggregate classification (germline): Uncertain significance (1 of 4 stars; one submission).

Submission:

Labcorp Genetics (formerly Invitae), Labcorp
Classification: Uncertain significance. Last evaluated: 2025-10-15. Review status: criteria provided, single submitter. Criteria: Invitae Variant Classification Sherloc (09022015). Collection method: clinical testing. Allele origin: germline.
Comment: This sequence change replaces leucine, which is neutral and non-polar, with valine, which is neutral and non-polar, at codon 647 of the KL protein (p.Leu647Val). This variant is present in population databases (no rsID available, gnomAD 0.0009%). This variant has not been reported in the literature in individuals affected with KL-related conditions. Invitae Evidence Modeling of protein sequence and biophysical properties (such as structural, functional, and spatial information, amino acid conservation, physicochemical variation, residue mobility, and thermodynamic stability) has been performed for this missense variant. However, the output from this modeling did not meet the statistical confidence thresholds required to predict the impact of this variant on KL protein function. In summary, the available evidence is currently insufficient to determine the role of this variant in disease. Therefore, it has been classified as a Variant of Uncertain Significance.

NM_004795.4(KL):c.1939C>G (p.Leu647Val)

Gene: KL (klotho; plus strand). Cytogenetic location: 13q13.1.
Variant type: single nucleotide variant.
Coding change: c.1939C>G on transcript NM_004795.4 (MANE Select); coding-DNA position 1939, C replaced by G.
Protein change: p.Leu647Val; replaces leucine 647 with valine.
Molecular consequence: missense variant.
Genome position (GRCh38, 1-based): chr13:33,061,018, C>G. VCF-style: chr13-33061018-C-G. GRCh37 (hg19) VCF-style: chr13-33635155-C-G.
Other names: short protein forms L647V.
Identifiers: ClinVar variation 4766086 (VCV004766086.1).